The following is an entry in ClinVar:

ClinVar aggregate classification (germline): Conflicting classifications of pathogenicity. Review status: criteria provided, conflicting classifications (1 of 4 stars). 4 submissions from 4 submitters: Uncertain significance (3); Likely benign (1). Last evaluated 2024-11-18.

Conditions:
Inborn genetic diseases. Identifiers: MedGen C0950123, MeSH D030342.
Seckel syndrome 1 (SCKL1). Also called: MICROCEPHALIC PRIMORDIAL DWARFISM I. Identifiers: Orphanet 808, MedGen C4551474, MONDO:0008869, OMIM 210600.
Familial cutaneous telangiectasia and oropharyngeal predisposition cancer syndrome. Identifiers: Orphanet 313846, MedGen C3281203, MONDO:0013806, OMIM 614564.

Allele frequency attached by ClinVar (database versions not stated): gnomAD exomes 0.00003 and 0.00004; ExAC 0.00004; gnomAD 0.00007; ESP Exome Variant Server 0.00008; TOPMed 0.00008.
gnomAD v4.1: 51 of 1,612,560 alleles (0.0032%); highest among the groups gnomAD compares: African/African-American, 0.024%; no homozygotes.

Submissions (4):

Labcorp Genetics (formerly Invitae), Labcorp
Classification: Uncertain significance. Last evaluated: 2024-11-18. Review status: criteria provided, single submitter. Criteria: Invitae Variant Classification Sherloc (09022015). Collection method: clinical testing. Allele origin: germline.
Comment: This sequence change replaces methionine, which is neutral and non-polar, with threonine, which is neutral and polar, at codon 2299 of the ATR protein (p.Met2299Thr). This variant is present in population databases (rs145119827, gnomAD 0.03%). This variant has not been reported in the literature in individuals affected with ATR-related conditions. ClinVar contains an entry for this variant (Variation ID: 343585). An algorithm developed to predict the effect of missense changes on protein structure and function outputs the following: PolyPhen-2: "Benign". The threonine amino acid residue is found in multiple mammalian species, which suggests that this missense change does not adversely affect protein function. In summary, the available evidence is currently insufficient to determine the role of this variant in disease. Therefore, it has been classified as a Variant of Uncertain Significance.

Fulgent Genetics
Classification: Uncertain significance for Seckel syndrome 1; Familial cutaneous telangiectasia and oropharyngeal predisposition cancer syndrome. Last evaluated: 2024-04-29. Review status: criteria provided, single submitter. Criteria: ACMG Guidelines, 2015. Collection method: clinical testing. Allele origin: germline.

Ambry Genetics
Classification: Likely benign for Inborn genetic diseases. Last evaluated: 2024-03-31. Review status: criteria provided, single submitter. Criteria: Ambry Variant Classification Scheme 2023. Collection method: clinical testing. Allele origin: germline.

Illumina Laboratory Services, Illumina
Classification: Uncertain significance for Seckel syndrome 1. Last evaluated: 2018-01-13. Review status: criteria provided, single submitter. Criteria: ICSL Variant Classification Criteria 13 December 2019. Collection method: clinical testing. Allele origin: germline.

NM_001184.4(ATR):c.6896T>C (p.Met2299Thr)

Gene: ATR (ATR checkpoint kinase; minus strand). Cytogenetic location: 3q23.
Variant type: single nucleotide variant.
Coding change: c.6896T>C on transcript NM_001184.4 (MANE Select); coding-DNA position 6896, T replaced by C.
Protein change: p.Met2299Thr; replaces methionine 2299 with threonine.
Molecular consequence: missense variant.
Genome position (GRCh38, 1-based): chr3:142,466,325, A>G on the plus strand (T>C on the coding strand, the complement: ATR is on the minus strand). VCF-style: chr3-142466325-A-G. GRCh37 (hg19) VCF-style: chr3-142185167-A-G.
Other names: c.6704T>C, p.Met2235Thr (NM_001354579.2); short protein forms M2299T, M2235T.
Identifiers: ClinVar variation 343585 (VCV000343585.12), dbSNP rs145119827, ClinGen allele CA2649255.
Genomic context (GRCh38, chr3:142,466,325, plus strand): 5'-AATTTGAAGTTTTTAACAACTAAATTTTAAAATCATAGTCATATAAAACTGAAGTTTACC[A>G]TATCATCAAACCCTGCAATATAGGCCCAATGTCCAGGAAATGGTTCATGGCTAGCATGGT-3'
Protein context (NP_001175.2, residues 2289-2309): HWAYIAGFDD[Met2299Thr]VEILASLQKP